The following is an entry in ClinVar:

NM_018082.6(POLR3B):c.711CAT[1] (p.Ile239del)

Gene: POLR3B (RNA polymerase III subunit B; plus strand). Cytogenetic location: 12q23.3.
Variant type: Microsatellite.
Coding change: c.711CAT[1] on transcript NM_018082.6 (MANE Select); one copy of the 3-base unit CAT starting at c.711; the reference has two copies in a row; one copy, 3 bases deleted.
Protein change: p.Ile239del; deletes isoleucine 239.
Molecular consequence: inframe deletion.
Genome position (GRCh38, 1-based): chr12:106,380,130-106,380,132, CAT deleted; deleting any 3 consecutive bases within chr12:106,380,126-106,380,132 gives the same sequence; the position shown is the placement nearest the transcript's 3' end. VCF-style (leftmost placement, unchanged base first): chr12-106380125-GTCA-G. GRCh37 (hg19) VCF-style: chr12-106773903-GTCA-G.
Other names: c.537CAT[1], p.Ile181del (NM_001160708.2); short protein forms I181del, I239del.
Identifiers: ClinVar variation 2574974 (VCV002574974.2), dbSNP rs2542010635, ClinGen allele CA2580614532.

ClinVar aggregate classification (germline): Uncertain significance (1 of 4 stars; one submission).

Submission:

GeneDx
Classification: Uncertain significance. Last evaluated: 2025-01-09. Review status: criteria provided, single submitter. Criteria: GeneDx Variant Classification Process June 2021. Collection method: clinical testing. Allele origin: germline. Affected: yes.
Comment: Not observed at significant frequency in large population cohorts (gnomAD); In-frame deletion of one amino acid in a non-repeat region; Has not been previously published as pathogenic or benign to our knowledge